The following is an entry in ClinVar:

ClinVar aggregate classification (germline): Uncertain significance. Review status: criteria provided, multiple submitters, no conflicts (2 of 4 stars). 2 submissions from 2 submitters: Uncertain significance (2). Last evaluated 2025-09-25.

Conditions:
Hereditary cancer-predisposing syndrome. Also called: Neoplastic Syndromes, Hereditary; Tumor predisposition; Hereditary neoplastic syndrome; Hereditary Cancer Syndrome. Identifiers: Orphanet 140162, MedGen C0027672, MeSH D009386, MONDO:0015356.
Tuberous sclerosis 1 (TSC1). Identifiers: Orphanet 805, MedGen C1854465, MONDO:0008612, OMIM 191100.

Allele frequency attached by ClinVar (database versions not stated): gnomAD exomes below 0.00001.
gnomAD v4.1: 1 of 1,614,268 alleles (0.000062%); highest among the groups gnomAD compares: Non-Finnish European, 0.000085%; no homozygotes.

Submissions (2):

Ambry Genetics
Classification: Uncertain significance for Hereditary cancer-predisposing syndrome. Last evaluated: 2025-09-25. Review status: criteria provided, single submitter. Criteria: Ambry Variant Classification Scheme 2023. Collection method: clinical testing. Allele origin: germline.
Comment: The p.L99P variant (also known as c.296T>C), located in coding exon 3 of the TSC1 gene, results from a T to C substitution at nucleotide position 296. The leucine at codon 99 is replaced by proline, an amino acid with similar properties. This amino acid position is conserved. In addition, the in silico prediction for this alteration is inconclusive. Since supporting evidence is limited at this time, the clinical significance of this alteration remains unclear.

Labcorp Genetics (formerly Invitae), Labcorp
Classification: Uncertain significance for Tuberous sclerosis 1. Last evaluated: 2024-09-21. Review status: criteria provided, single submitter. Criteria: Invitae Variant Classification Sherloc (09022015). Collection method: clinical testing. Allele origin: germline.
Comment: This sequence change replaces leucine, which is neutral and non-polar, with proline, which is neutral and non-polar, at codon 99 of the TSC1 protein (p.Leu99Pro). This variant is not present in population databases (gnomAD no frequency). This variant has not been reported in the literature in individuals affected with TSC1-related conditions. ClinVar contains an entry for this variant (Variation ID: 1798274). Invitae Evidence Modeling of protein sequence and biophysical properties (such as structural, functional, and spatial information, amino acid conservation, physicochemical variation, residue mobility, and thermodynamic stability) indicates that this missense variant is not expected to disrupt TSC1 protein function with a negative predictive value of 95%. In summary, the available evidence is currently insufficient to determine the role of this variant in disease. Therefore, it has been classified as a Variant of Uncertain Significance.

NM_000368.5(TSC1):c.296T>C (p.Leu99Pro)

Gene: TSC1 (TSC complex subunit 1; minus strand). Cytogenetic location: 9q34.13.
Variant type: single nucleotide variant.
Coding change: c.296T>C on transcript NM_000368.5 (MANE Select); coding-DNA position 296, T replaced by C.
Protein change: p.Leu99Pro; replaces leucine 99 with proline.
Molecular consequence: missense variant. On other transcripts: 5 prime UTR variant (1), intron variant (1).
Genome position (GRCh38, 1-based): chr9:132,925,654, A>G on the plus strand (T>C on the coding strand, the complement: TSC1 is on the minus strand). VCF-style: chr9-132925654-A-G. GRCh37 (hg19) VCF-style: chr9-135801041-A-G.
Other names: c.296T>C, p.Leu99Pro (NM_001162426.2, NM_001406592.1, NM_001406593.1 and 16 more transcripts); c.-68T>C (NM_001362177.2, NM_001406617.1, NM_001406618.1 and 5 more transcripts); c.-160T>C (NM_001406614.1, NM_001406616.1, NM_001406624.1); c.-193T>C (NM_001406615.1, NM_001406623.1); c.-582T>C (NM_001406626.1, NM_001406627.1, NM_001406628.1); c.-724T>C (NM_001406629.1); c.-798T>C (NM_001406630.1); c.210+1547T>C (NM_001162427.2); short protein forms L99P.
Identifiers: ClinVar variation 1798274 (VCV001798274.5), dbSNP rs2132233634, ClinGen allele CA375374545.